The following is an entry in ClinVar:

ClinVar aggregate classification (germline): Pathogenic (1 of 4 stars; one submission).

Submission:

Labcorp Genetics (formerly Invitae), Labcorp
Classification: Pathogenic. Last evaluated: 2022-01-31. Review status: criteria provided, single submitter. Criteria: Invitae Variant Classification Sherloc (09022015). Collection method: clinical testing. Allele origin: germline.
Comment: For these reasons, this variant has been classified as Pathogenic. This variant has not been reported in the literature in individuals affected with NPHS2-related conditions. This variant is not present in population databases (gnomAD no frequency). This sequence change creates a premature translational stop signal (p.Gly17Profs*46) in the NPHS2 gene. It is expected to result in an absent or disrupted protein product. Loss-of-function variants in NPHS2 are known to be pathogenic (PMID: 10742096, 14701729, 15253708, 23595123).

Literature cited by the submitters: PubMed 10742096; PubMed 14701729; PubMed 15253708; PubMed 23595123.

NM_014625.4(NPHS2):c.48_156del (p.Gly17fs)

Gene: NPHS2 (NPHS2 stomatin family member, podocin; minus strand). Cytogenetic location: 1q25.2.
Variant type: Deletion.
Coding change: c.48_156del on transcript NM_014625.4 (MANE Select); coding-DNA positions 48 to 156, 109 bases deleted.
Protein change: p.Gly17fs; shifts the reading frame from glycine 17.
Molecular consequence: frameshift variant.
Genome position (GRCh38, 1-based): chr1:179,575,709-179,575,817, 109 bases deleted. GRCh37 (hg19): chr1:179,544,846-179,544,954.
Other names: c.48_156del, p.Gly17fs (NM_001297575.2); short protein forms G17fs.
Identifiers: ClinVar variation 2091205 (VCV002091205.4), dbSNP rs2526378323, ClinGen allele CA2580061520.